The following is an entry in ClinVar:

ClinVar aggregate classification (germline): Likely benign. Review status: criteria provided, multiple submitters, no conflicts (2 of 4 stars). 3 submissions from 3 submitters: Likely benign (3). Last evaluated 2025-12-19.

Conditions:
RYR1-related disorder. Also called: RYR1-related condition; RYR1-related disorders. Identifiers: MedGen CN239331.
Malignant hyperthermia, susceptibility to, 1 (MHS1). Also called: RYR1-Related Malignant Hyperthermia Susceptibility; Anesthesia related hyperthermia; Malignant hyperpyrexia; Fulminating hyperpyrexia; Pharmacogenic myopathy; Malignant hyperthermia suceptibility 1. Identifiers: Orphanet 423, MedGen C2930980, MONDO:0007783, OMIM 145600.

Allele frequency attached by ClinVar (database versions not stated): gnomAD exomes below 0.00001 and 0.00001; gnomAD 0.00001; TOPMed 0.00001.
gnomAD v4.1: 15 of 1,614,078 alleles (0.00093%); highest among the groups gnomAD compares: African/African-American, 0.0093%; no homozygotes.

Submissions (3):

Labcorp Genetics (formerly Invitae), Labcorp
Classification: Likely benign for RYR1-related disorder. Last evaluated: 2025-12-19. Review status: criteria provided, single submitter. Criteria: Invitae Variant Classification Sherloc (09022015). Collection method: clinical testing. Allele origin: germline.

CeGaT Center for Human Genetics Tuebingen
Classification: Likely benign. Last evaluated: 2024-11-01. Review status: criteria provided, single submitter. Criteria: CeGaT Center For Human Genetics Tuebingen Variant Classification Criteria Version 2. Collection method: clinical testing. Allele origin: germline. Affected: yes. Observed: 1 variant allele.
Comment: RYR1: BP4, BP7

All of Us Research Program, National Institutes of Health
Classification: Likely benign for Malignant hyperthermia, susceptibility to, 1. Last evaluated: 2023-12-13. Review status: criteria provided, single submitter. Criteria: ACMG Guidelines, 2015. Collection method: clinical testing. Allele origin: germline. Inheritance: Autosomal dominant inheritance. Observed: 1 variant allele, 1 heterozygote.
Comment: This study involves interpretation of variants in research participants for the purpose of population health screening. Participant phenotype was not available at the time of variant classification. Additional details can be found in publication PMID: 35346344, PMCID: PMC8962531

NM_000540.3(RYR1):c.14163C>G (p.Val4721=)

Gene: RYR1 (ryanodine receptor 1; plus strand). Cytogenetic location: 19q13.2.
Variant type: single nucleotide variant.
Coding change: c.14163C>G on transcript NM_000540.3 (MANE Select); coding-DNA position 14163, C replaced by G.
Protein change: p.Val4721=; no amino-acid change (valine 4721 retained).
Molecular consequence: synonymous variant.
Genome position (GRCh38, 1-based): chr19:38,575,952, C>G. VCF-style: chr19-38575952-C-G. GRCh37 (hg19) VCF-style: chr19-39066592-C-G.
Other names: c.14148C>G, p.Val4716= (NM_001042723.2).
Identifiers: ClinVar variation 1106962 (VCV001106962.24), dbSNP rs948958857, ClinGen allele CA308118815.